The following is an entry in ClinVar:

ClinVar aggregate classification (germline): Uncertain significance (1 of 4 stars; one submission).

Submission:

CeGaT Center for Human Genetics Tuebingen
Classification: Uncertain significance. Last evaluated: 2025-05-01. Review status: criteria provided, single submitter. Criteria: CeGaT Center For Human Genetics Tuebingen Variant Classification Criteria Version 2. Collection method: clinical testing. Allele origin: germline. Affected: yes. Observed: 1 variant allele.
Comment: SLC12A2: PM2

NM_001046.3(SLC12A2):c.1469T>C (p.Val490Ala)

Gene: SLC12A2 (solute carrier family 12 member 2; plus strand). Cytogenetic location: 5q23.3.
Variant type: single nucleotide variant.
Coding change: c.1469T>C on transcript NM_001046.3 (MANE Select); coding-DNA position 1469, T replaced by C.
Protein change: p.Val490Ala; replaces valine 490 with alanine.
Molecular consequence: missense variant. On other transcripts: non-coding transcript variant (1).
Genome position (GRCh38, 1-based): chr5:128,138,657, T>C. VCF-style: chr5-128138657-T-C. GRCh37 (hg19) VCF-style: chr5-127474349-T-C.
Other names: c.1469T>C, p.Val490Ala (NM_001256461.2); short protein forms V490A.
Identifiers: ClinVar variation 3905829 (VCV003905829.10).
Genomic context (GRCh38, chr5:128,138,657, plus strand): 5'-CTGAAATATTTAATGAGAACTTTGGGCCCGATTTTCGAGAGGAAGAGACTTTCTTTTCTG[T>C]ATTTGCCATCTTTTTTCCTGCTGCAACTGGTATTCTGGCTGGAGCAAATATCTCAGGTGA-3'
Protein context (NP_001037.1, residues 480-500): DFREEETFFS[Val490Ala]FAIFFPAATG